The following is an entry in ClinVar:

NM_006506.5(RASA2):c.1872G>T (p.Lys624Asn)

Gene: RASA2 (RAS p21 protein activator 2; plus strand). Cytogenetic location: 3q23.
Variant type: single nucleotide variant.
Coding change: c.1872G>T on transcript NM_006506.5 (MANE Select); coding-DNA position 1872, G replaced by T.
Protein change: p.Lys624Asn; replaces lysine 624 with asparagine.
Molecular consequence: missense variant.
Genome position (GRCh38, 1-based): chr3:141,586,691, G>T. VCF-style: chr3-141586691-G-T. GRCh37 (hg19) VCF-style: chr3-141305533-G-T.
Other names: c.1872G>T, p.Lys624Asn (NM_001303245.3, NM_001303246.3); c.1872G>T (NM_006506.2); short protein forms K624N.
Identifiers: ClinVar variation 1416188 (VCV001416188.9), dbSNP rs775043780, ClinGen allele CA2645650.
Genomic context (GRCh38, chr3:141,586,691, plus strand): 5'-CTGTTATGTTGGCAGTGAGATGTATAAAAGAGCTCAAGGAAGAACTCGGATTGGAAAAAA[G>T]AATTTTAAGAAACGATGGTTCTGCTTAACAAGCAGAGAGCTCACCTACCACAAACAGCCA-3'
Protein context (NP_006497.2, residues 614-634): RAQGRTRIGK[Lys624Asn]NFKKRWFCLT

ClinVar aggregate classification (germline): Uncertain significance. Review status: criteria provided, multiple submitters, no conflicts (2 of 4 stars). 2 submissions from 2 submitters: Uncertain significance (2). Last evaluated 2023-11-23.

Allele frequency attached by ClinVar (database versions not stated): gnomAD exomes below 0.00001; ExAC 0.00001.
gnomAD v4.1: 1 of 1,613,618 alleles (0.000062%); highest among the groups gnomAD compares: Non-Finnish European, 0.000085%; no homozygotes.

Submissions (2):

Ambry Genetics
Classification: Uncertain significance. Last evaluated: 2023-11-23. Review status: criteria provided, single submitter. Criteria: Ambry Variant Classification Scheme 2023. Collection method: clinical testing. Allele origin: germline.
Comment: The p.K624N variant (also known as c.1872G>T), located in coding exon 19 of the RASA2 gene, results from a G to T substitution at nucleotide position 1872. The lysine at codon 624 is replaced by asparagine, an amino acid with similar properties. This amino acid position is conserved. In addition, the in silico prediction for this alteration is inconclusive. Since supporting evidence is limited at this time, the clinical significance of this alteration remains unclear.

Labcorp Genetics (formerly Invitae), Labcorp
Classification: Uncertain significance. Last evaluated: 2022-06-03. Review status: criteria provided, single submitter. Criteria: Invitae Variant Classification Sherloc (09022015). Collection method: clinical testing. Allele origin: germline.
Comment: This variant has not been reported in the literature in individuals affected with RASA2-related conditions. This variant is present in population databases (rs775043780, gnomAD 0.006%). This sequence change replaces lysine, which is basic and polar, with asparagine, which is neutral and polar, at codon 624 of the RASA2 protein (p.Lys624Asn). ClinVar contains an entry for this variant (Variation ID: 1416188). In summary, the available evidence is currently insufficient to determine the role of this variant in disease. Therefore, it has been classified as a Variant of Uncertain Significance. Algorithms developed to predict the effect of missense changes on protein structure and function are either unavailable or do not agree on the potential impact of this missense change (SIFT: "Tolerated"; PolyPhen-2: "Probably Damaging"; Align-GVGD: "Class C0").